The following is an entry in ClinVar:

NM_001164277.2(SLC37A4):c.517G>A (p.Gly173Arg)

Gene: SLC37A4 (solute carrier family 37 member 4; minus strand). Cytogenetic location: 11q23.3.
Variant type: single nucleotide variant.
Coding change: c.517G>A on transcript NM_001164277.2 (MANE Select); coding-DNA position 517, G replaced by A.
Protein change: p.Gly173Arg; replaces glycine 173 with arginine.
Molecular consequence: missense variant.
Genome position (GRCh38, 1-based): chr11:119,027,737, C>T on the plus strand (G>A on the coding strand, the complement: SLC37A4 is on the minus strand). VCF-style: chr11-119027737-C-T. GRCh37 (hg19) VCF-style: chr11-118898447-C-T.
Other names: c.517G>A, p.Gly173Arg (NM_001164278.2, NM_001164280.2, NM_001467.6); c.298G>A, p.Gly100Arg (NM_001164279.2); short protein forms G100R, G173R.
Identifiers: ClinVar variation 3703566 (VCV003703566.2).

ClinVar aggregate classification (germline): Uncertain significance (1 of 4 stars; one submission).

Conditions:
Glucose-6-phosphate transport defect (GSD1B). Also called: Glycogen Storage Disease Type Ib; GSD Ib. Identifiers: Orphanet 364, Orphanet 79259, MedGen C0268146, MONDO:0009288, OMIM 232220.

Submission:

Labcorp Genetics (formerly Invitae), Labcorp
Classification: Uncertain significance for Glucose-6-phosphate transport defect. Last evaluated: 2024-12-04. Review status: criteria provided, single submitter. Criteria: Invitae Variant Classification Sherloc (09022015). Collection method: clinical testing. Allele origin: germline.
Comment: This sequence change replaces glycine, which is neutral and non-polar, with arginine, which is basic and polar, at codon 173 of the SLC37A4 protein (p.Gly173Arg). This variant is not present in population databases (gnomAD no frequency). This variant has not been reported in the literature in individuals affected with SLC37A4-related conditions. Invitae Evidence Modeling of protein sequence and biophysical properties (such as structural, functional, and spatial information, amino acid conservation, physicochemical variation, residue mobility, and thermodynamic stability) indicates that this missense variant is expected to disrupt SLC37A4 protein function with a positive predictive value of 80%. In summary, the available evidence is currently insufficient to determine the role of this variant in disease. Therefore, it has been classified as a Variant of Uncertain Significance.